The following is an entry in ClinVar:

NM_001458.5(FLNC):c.6544A>G (p.Ser2182Gly)

Genes: FLNC (filamin C; plus strand), FLNC-AS1 (FLNC antisense RNA 1; minus strand). Cytogenetic location: 7q32.1.
Variant type: single nucleotide variant.
Coding change: c.6544A>G on transcript NM_001458.5 (MANE Select); coding-DNA position 6544, A replaced by G.
Protein change: p.Ser2182Gly; replaces serine 2182 with glycine.
Molecular consequence: missense variant.
Genome position (GRCh38, 1-based): chr7:128,854,033, A>G. VCF-style: chr7-128854033-A-G. GRCh37 (hg19) VCF-style: chr7-128494087-A-G.
Other names: c.6445A>G, p.Ser2149Gly (NM_001127487.2); short protein forms S2149G, S2182G.
Identifiers: ClinVar variation 2632681 (VCV002632681.4), dbSNP rs2536663644, ClinGen allele CA369212787.
Genomic context (GRCh38, chr7:128,854,033, plus strand): 5'-GGAAACTGGTTCCAGATGGTGTCTGCCCAGGAGCGCCTGACACGCACCTTCACACGCAGC[A>G]GCCACACCTACACCCGCACGGAGCGCACGGAGATCAGCAAGACGCGGGGCGGGGAGACAA-3'
Protein context (NP_001449.3, residues 2172-2192): ERLTRTFTRS[Ser2182Gly]HTYTRTERTE

ClinVar aggregate classification (germline): Uncertain significance. Review status: criteria provided, multiple submitters, no conflicts (2 of 4 stars). 2 submissions from 2 submitters: Uncertain significance (2). Last evaluated 2024-12-23.

Conditions:
FLNC-related disorder. Also called: FLNC-related condition; FLNC-related disorders.
Myofibrillar myopathy 5. Also called: Filaminopathy (type); FILAMINOPATHY, AUTOSOMAL DOMINANT. Identifiers: Orphanet 171445, MedGen C1836050, MONDO:0012289, OMIM 609524.
Distal myopathy with posterior leg and anterior hand involvement. Also called: WILLIAMS DISTAL MYOPATHY. Identifiers: Orphanet 63273, MedGen C3279722, MONDO:0013550, OMIM 614065.
Hypertrophic cardiomyopathy 26. Also called: Cardiomyopathy, familial hypertrophic, 26. Identifiers: OMIM 617047, Orphanet 75249, MedGen C4310749, MONDO:0014883.

Submissions (2):

Labcorp Genetics (formerly Invitae), Labcorp
Classification: Uncertain significance for Distal myopathy with posterior leg and anterior hand involvement; Myofibrillar myopathy 5; Hypertrophic cardiomyopathy 26. Last evaluated: 2024-12-23. Review status: criteria provided, single submitter. Criteria: Invitae Variant Classification Sherloc (09022015). Collection method: clinical testing. Allele origin: germline.
Comment: This sequence change replaces serine, which is neutral and polar, with glycine, which is neutral and non-polar, at codon 2182 of the FLNC protein (p.Ser2182Gly). This variant is not present in population databases (gnomAD no frequency). This missense change has been observed in individual(s) with clinical features of FLNC-related conditions (internal data). ClinVar contains an entry for this variant (Variation ID: 2632681). An algorithm developed to predict the effect of missense changes on protein structure and function (PolyPhen-2) suggests that this variant is likely to be tolerated. In summary, the available evidence is currently insufficient to determine the role of this variant in disease. Therefore, it has been classified as a Variant of Uncertain Significance.

PreventionGenetics, part of Exact Sciences
Classification: Uncertain significance for FLNC-related condition. Last evaluated: 2023-06-18. Review status: criteria provided, single submitter. Criteria: ACMG Guidelines, 2015. Collection method: clinical testing. Allele origin: germline.
Comment: The FLNC c.6544A>G variant is predicted to result in the amino acid substitution p.Ser2182Gly. To our knowledge, this variant has not been reported in the literature or in a large population database, indicating this variant is rare. At this time, the clinical significance of this variant is uncertain due to the absence of conclusive functional and genetic evidence.